The following is an entry in ClinVar:

NM_000038.6(APC):c.2528del (p.Ser843fs)

Gene: APC (APC regulator of Wnt signaling pathway; plus strand). Cytogenetic location: 5q22.2.
Variant type: Deletion.
Coding change: c.2528del on transcript NM_000038.6 (MANE Select); coding-DNA position 2528, one base deleted (G; older notation c.2528delG).
Protein change: p.Ser843fs; shifts the reading frame from serine 843.
Molecular consequence: frameshift variant.
Genome position (GRCh38, 1-based): chr5:112,838,122, G deleted. VCF-style (leftmost placement, unchanged base first): chr5-112838121-AG-A. GRCh37 (hg19) VCF-style: chr5-112173818-AG-A.
Other names: c.2528del, p.Ser843fs (NM_001127510.3, NM_001354895.2); c.2474del, p.Ser825fs (NM_001127511.3); c.2582del, p.Ser861fs (NM_001354896.2); c.2558del, p.Ser853fs (NM_001354897.2); c.2453del, p.Ser818fs (NM_001354898.2); c.2444del, p.Ser815fs (NM_001354899.2); c.2405del, p.Ser802fs (NM_001354900.2); c.2351del, p.Ser784fs (NM_001354901.2); and 5 more; short protein forms S560fs, S683fs, S717fs, S742fs, S752fs, S784fs, S802fs, S815fs.
Identifiers: ClinVar variation 978263 (VCV000978263.3), dbSNP rs1765204324, ClinGen allele CA1139655914.

ClinVar aggregate classification (germline): Pathogenic (1 of 4 stars; one submission).

Conditions:
Familial adenomatous polyposis 1 (FAP1). Also called: POLYPOSIS, ADENOMATOUS INTESTINAL; FAMILIAL ADENOMATOUS POLYPOSIS 1, ATTENUATED. Identifiers: MedGen C2713442, MONDO:0021056, OMIM 175100. Disease mechanism: loss of function.

Submission:

Institute of Human Genetics, University of Goettingen
Classification: Pathogenic for Familial adenomatous polyposis 1. Last evaluated: 2020-07-10. Review status: criteria provided, single submitter. Criteria: ACMG Guidelines, 2015. Collection method: clinical testing. Allele origin: unknown. Inheritance: Autosomal dominant inheritance. Affected: yes. Observed: 1 heterozygote.
Comment: ACMG criteria used for classification: PVS1, PM2, PP4